The following is an entry in ClinVar:

ClinVar aggregate classification (germline): Likely benign. Review status: criteria provided, multiple submitters, no conflicts (2 of 4 stars). 4 submissions from 4 submitters: Likely benign (4). Last evaluated 2025-09-09.

Conditions:
RYR1-related disorder. Also called: RYR1-related condition; RYR1-related disorders. Identifiers: MedGen CN239331.
Malignant hyperthermia, susceptibility to, 1 (MHS1). Also called: RYR1-Related Malignant Hyperthermia Susceptibility; Anesthesia related hyperthermia; Malignant hyperpyrexia; Fulminating hyperpyrexia; Pharmacogenic myopathy; Malignant hyperthermia suceptibility 1. Identifiers: Orphanet 423, MedGen C2930980, MONDO:0007783, OMIM 145600.

Allele frequency attached by ClinVar (database versions not stated): gnomAD exomes 0.00002 and 0.00008; gnomAD 0.00004 and 0.00005; ExAC 0.00006; TOPMed 0.00011; 1000 Genomes Project 0.00020; 1000 Genomes Project 30x 0.00031.
gnomAD v4.1: 38 of 1,613,866 alleles (0.0024%); highest among the groups gnomAD compares: Admixed American, 0.05%; no homozygotes.

Submissions (4):

Labcorp Genetics (formerly Invitae), Labcorp
Classification: Likely benign for RYR1-related disorder. Last evaluated: 2025-09-09. Review status: criteria provided, single submitter. Criteria: Invitae Variant Classification Sherloc (09022015). Collection method: clinical testing. Allele origin: germline.

All of Us Research Program, National Institutes of Health
Classification: Likely benign for Malignant hyperthermia, susceptibility to, 1. Last evaluated: 2024-02-05. Review status: criteria provided, single submitter. Criteria: ACMG Guidelines, 2015. Collection method: clinical testing. Allele origin: germline. Inheritance: Autosomal dominant inheritance. Observed: 13 variant alleles, 13 heterozygotes.
Comment: This study involves interpretation of variants in research participants for the purpose of population health screening. Participant phenotype was not available at the time of variant classification. Additional details can be found in publication PMID: 35346344, PMCID: PMC8962531

Color Diagnostics, LLC DBA Color Health
Classification: Likely benign for Malignant hyperthermia, susceptibility to, 1. Last evaluated: 2022-09-16. Review status: criteria provided, single submitter. Criteria: ACMG Guidelines, 2015. Collection method: clinical testing. Allele origin: germline.

PreventionGenetics, part of Exact Sciences
Classification: Likely benign. Review status: criteria provided, single submitter. Criteria: ACMG Guidelines, 2015. Collection method: clinical testing. Allele origin: germline.

NM_000540.3(RYR1):c.7215-14C>T

Gene: RYR1 (ryanodine receptor 1; plus strand). Cytogenetic location: 19q13.2.
Variant type: single nucleotide variant.
Coding change: c.7215-14C>T on transcript NM_000540.3 (MANE Select); 14 bases into the intron before coding-DNA position 7215, C replaced by T.
Molecular consequence: intron variant.
Genome position (GRCh38, 1-based): chr19:38,499,894, C>T. VCF-style: chr19-38499894-C-T. GRCh37 (hg19) VCF-style: chr19-38990534-C-T.
Other names: c.7215-14C>T (NM_001042723.2).
Identifiers: ClinVar variation 256549 (VCV000256549.12), dbSNP rs199721157, ClinGen allele CA069298.
Genomic context (GRCh38, chr19:38,499,894, plus strand): 5'-GCCCCCTCCTCAATAGGGCAACCCGCCCTCCCTGGCCCCTGGCTGCCTCCCCAACCCACC[C>T]ACCTTCCCTGCAGCTTTGGTGAGGAACCGCCTGAAGAAAACCGGGTGCACCTGGGACACG-3'